The following is an entry in ClinVar:

ClinVar aggregate classification (germline): Uncertain significance (1 of 4 stars; one submission).

Conditions:
Gastrointestinal stromal tumor. Also called: Gastrointestinal stromal tumor, somatic; Gastrointestinal stroma tumor. Identifiers: Orphanet 44890, MedGen C0238198, MeSH D046152, MONDO:0011719, OMIM 606764, HP:0100723.

gnomAD v4.1: 2 of 1,613,512 alleles (0.00012%); highest among the groups gnomAD compares: Non-Finnish European, 0.00017%; no homozygotes.

Submission:

Labcorp Genetics (formerly Invitae), Labcorp
Classification: Uncertain significance for Gastrointestinal stromal tumor. Last evaluated: 2021-10-04. Review status: criteria provided, single submitter. Criteria: Invitae Variant Classification Sherloc (09022015). Collection method: clinical testing. Allele origin: germline.
Comment: In summary, the available evidence is currently insufficient to determine the role of this variant in disease. Therefore, it has been classified as a Variant of Uncertain Significance. Algorithms developed to predict the effect of sequence changes on RNA splicing suggest that this variant may create or strengthen a splice site. Algorithms developed to predict the effect of missense changes on protein structure and function output the following: SIFT: "Deleterious"; PolyPhen-2: "Probably Damaging"; Align-GVGD: "Class C0". The arginine amino acid residue is found in multiple mammalian species, which suggests that this missense change does not adversely affect protein function. This variant has not been reported in the literature in individuals affected with KIT-related conditions. This variant is not present in population databases (ExAC no frequency). This sequence change replaces tryptophan with arginine at codon 8 of the KIT protein (p.Trp8Arg). The tryptophan residue is highly conserved and there is a moderate physicochemical difference between tryptophan and arginine.

NM_000222.3(KIT):c.22T>A (p.Trp8Arg)

Gene: KIT (KIT proto-oncogene, receptor tyrosine kinase; plus strand). Cytogenetic location: 4q12.
Variant type: single nucleotide variant.
Coding change: c.22T>A on transcript NM_000222.3 (MANE Select); coding-DNA position 22, T replaced by A.
Protein change: p.Trp8Arg; replaces tryptophan 8 with arginine.
Molecular consequence: missense variant.
Genome position (GRCh38, 1-based): chr4:54,658,036, T>A. VCF-style: chr4-54658036-T-A. GRCh37 (hg19) VCF-style: chr4-55524203-T-A.
Other names: c.22T>A, p.Trp8Arg (NM_001093772.2, NM_001385284.1, NM_001385285.1 and 4 more transcripts); short protein forms W8R.
Identifiers: ClinVar variation 947164 (VCV000947164.8), dbSNP rs1577898533, ClinGen allele CA356897886.